The following is an entry in ClinVar:

ClinVar aggregate classification (germline): Uncertain significance. Review status: criteria provided, multiple submitters, no conflicts (2 of 4 stars). 6 submissions from 6 submitters: Uncertain significance (6). Last evaluated 2024-10-20.

Conditions:
Lynch syndrome. Identifiers: Orphanet 144, MedGen C4552100, MONDO:0005835. Disease mechanism: loss of function.
Hereditary nonpolyposis colorectal neoplasms. Identifiers: MedGen C0009405, MeSH D003123.
Hereditary cancer-predisposing syndrome. Also called: Tumor predisposition; Hereditary Cancer Syndrome; Hereditary neoplastic syndrome; Neoplastic Syndromes, Hereditary. Identifiers: Orphanet 140162, MedGen C0027672, MeSH D009386, MONDO:0015356.

Submissions (6):

Labcorp Genetics (formerly Invitae), Labcorp
Classification: Uncertain significance for Hereditary nonpolyposis colorectal neoplasms. Last evaluated: 2024-10-20. Review status: criteria provided, single submitter. Criteria: Invitae Variant Classification Sherloc (09022015). Collection method: clinical testing. Allele origin: germline.
Comment: This sequence change replaces phenylalanine, which is neutral and non-polar, with serine, which is neutral and polar, at codon 290 of the PMS2 protein (p.Phe290Ser). This variant is not present in population databases (gnomAD no frequency). This variant has not been reported in the literature in individuals affected with PMS2-related conditions. ClinVar contains an entry for this variant (Variation ID: 411060). Invitae Evidence Modeling incorporating data from in vitro experimental studies (internal data) indicates that this missense variant is not expected to disrupt PMS2 function with a negative predictive value of 95%. In summary, the available evidence is currently insufficient to determine the role of this variant in disease. Therefore, it has been classified as a Variant of Uncertain Significance.

Ambry Genetics
Classification: Uncertain significance for Hereditary cancer-predisposing syndrome. Last evaluated: 2024-05-28. Review status: criteria provided, single submitter. Criteria: Ambry Variant Classification Scheme 2023. Collection method: clinical testing. Allele origin: germline.
Comment: The p.F290S variant (also known as c.869T>C), located in coding exon 8 of the PMS2 gene, results from a T to C substitution at nucleotide position 869. The phenylalanine at codon 290 is replaced by serine, an amino acid with highly dissimilar properties. This amino acid position is conserved. In addition, this alteration is predicted to be deleterious by in silico analysis. Since supporting evidence is limited at this time, the clinical significance of this alteration remains unclear.

Color Diagnostics, LLC DBA Color Health
Classification: Uncertain significance for Hereditary cancer-predisposing syndrome. Last evaluated: 2024-03-06. Review status: criteria provided, single submitter. Criteria: ACMG Guidelines, 2015. Collection method: clinical testing. Allele origin: germline.
Comment: This missense variant replaces phenylalanine with serine at codon 290 of the PMS2 protein. Computational prediction suggests that this variant may have deleterious impact on protein structure and function (internally defined REVEL score threshold >= 0.7, PMID: 27666373). To our knowledge, functional studies have not been reported for this variant. This variant has not been reported in individuals affected with PMS2-related disorders in the literature. This variant has not been identified in the general population by the Genome Aggregation Database (gnomAD). The available evidence is insufficient to determine the role of this variant in disease conclusively. Therefore, this variant is classified as a Variant of Uncertain Significance.

All of Us Research Program, National Institutes of Health
Classification: Uncertain significance for Lynch syndrome. Last evaluated: 2023-05-04. Review status: criteria provided, single submitter. Criteria: ACMG Guidelines, 2015. Collection method: clinical testing. Allele origin: germline. Inheritance: Autosomal dominant inheritance. Observed: 1 variant allele, 1 heterozygote.
Comment: This missense variant replaces phenylalanine with serine at codon 290 of the PMS2 protein. Computational prediction tools and conservation analyses suggest that this variant may have deleterious impact on the protein function. Computational splicing tools suggest that this variant may not impact RNA splicing. To our knowledge, functional assays have not been performed for this variant nor has this variant been reported in individuals affected with hereditary cancer in the literature. This variant has not been identified in the general population by the Genome Aggregation Database (gnomAD). Available evidence is insufficient to determine the role of this variant in disease conclusively. Therefore, this variant is classified as a Variant of Uncertain Significance.

This study involves interpretation of variants in research participants for the purpose of population health screening. Participant phenotype was not available at the time of variant classification. Additional details can be found in publication PMID: 35346344, PMCID: PMC8962531

GeneDx
Classification: Uncertain significance. Last evaluated: 2020-10-16. Review status: criteria provided, single submitter. Criteria: GeneDx Variant Classification Process June 2021. Collection method: clinical testing. Allele origin: germline. Affected: yes.
Comment: Not observed in large population cohorts (Lek 2016); In silico analysis supports that this missense variant has a deleterious effect on protein structure/function; Has not been previously published as pathogenic or benign to our knowledge

Women's Health and Genetics/Laboratory Corporation of America, LabCorp
Classification: Uncertain significance. Last evaluated: 2018-11-30. Review status: criteria provided, single submitter. Criteria: LabCorp Variant Classification Summary - May 2015. Collection method: clinical testing. Allele origin: germline.
Comment: Variant summary: PMS2 c.869T>C (p.Phe290Ser) results in a non-conservative amino acid change located in the DNA mismatch repair protein family, N-terminal and DNA mismatch repair protein, S5 domain 2-like of the encoded protein sequence. Four of five in-silico tools predict a damaging effect of the variant on protein function. The variant was absent in 246214 control chromosomes. The available data on variant occurrences in the general population are insufficient to allow any conclusion about variant significance. To our knowledge, no occurrence of c.869T>C in individuals affected with Lynch Syndrome and no experimental evidence demonstrating its impact on protein function have been reported. One clinical diagnostic laboratory has submitted clinical-significance assessments for this variant to ClinVar after 2014 without evidence for independent evaluation. One laboratory classified the variant as uncertain significance. Based on the evidence outlined above, the variant was classified as uncertain significance.

NM_000535.7(PMS2):c.869T>C (p.Phe290Ser)

Gene: PMS2 (PMS1 homolog 2, mismatch repair system component; minus strand). Cytogenetic location: 7p22.1.
Variant type: single nucleotide variant.
Coding change: c.869T>C on transcript NM_000535.7 (MANE Select); coding-DNA position 869, T replaced by C.
Protein change: p.Phe290Ser; replaces phenylalanine 290 with serine.
Molecular consequence: missense variant. On other transcripts: 5 prime UTR variant (2), non-coding transcript variant (1).
Genome position (GRCh38, 1-based): chr7:5,995,568, A>G on the plus strand (T>C on the coding strand, the complement: PMS2 is on the minus strand). VCF-style: chr7-5995568-A-G. GRCh37 (hg19) VCF-style: chr7-6035199-A-G.
Other names: c.464T>C, p.Phe155Ser (NM_001322003.2, NM_001322004.2, NM_001322005.2 and 2 more transcripts); c.869T>C, p.Phe290Ser (NM_001322006.2, NM_001322014.2); c.551T>C, p.Phe184Ser (NM_001322007.2, NM_001322008.2); c.-65T>C (NM_001322011.2, NM_001322012.2); c.296T>C, p.Phe99Ser (NM_001322013.2); c.560T>C, p.Phe187Ser (NM_001322015.2); short protein forms F290S, F187S, F99S, F184S, F155S.
Identifiers: ClinVar variation 411060 (VCV000411060.19), dbSNP rs1031512870, ClinGen allele CA16612267.